The following is an entry in ClinVar:

NM_014336.5(AIPL1):c.247G>C (p.Glu83Gln)

Gene: AIPL1 (aryl hydrocarbon receptor interacting protein like 1; minus strand). Cytogenetic location: 17p13.2.
Variant type: single nucleotide variant.
Coding change: c.247G>C on transcript NM_014336.5 (MANE Select); coding-DNA position 247, G replaced by C.
Protein change: p.Glu83Gln; replaces glutamic acid 83 with glutamine.
Molecular consequence: missense variant. On other transcripts: intron variant (1).
Genome position (GRCh38, 1-based): chr17:6,433,948, C>G on the plus strand (G>C on the coding strand, the complement: AIPL1 is on the minus strand). VCF-style: chr17-6433948-C-G. GRCh37 (hg19) VCF-style: chr17-6337268-C-G.
Other names: c.247G>C, p.Glu83Gln (NM_001033054.3, NM_001285401.3, NM_001285403.4); c.211G>C, p.Glu71Gln (NM_001285399.3); c.181G>C, p.Glu61Gln (NM_001285400.3); c.130G>C, p.Glu44Gln (NM_001285402.2); c.96+1061G>C (NM_001033055.3); short protein forms E44Q, E61Q, E71Q, E83Q.
Identifiers: ClinVar variation 1314951 (VCV001314951.2), dbSNP rs267605009, ClinGen allele CA397397154.
Genomic context (GRCh38, chr17:6,433,948, plus strand): 5'-CCCAGGAGACAGGCGCGCAGGGCCTACTTACGATGGTGTCGCACCAGAACTCGGCCACCT[C>G]GTGCACCCGCATGGAGGTAAGCAGGATCTCCCAGACCTCGAGCTTGAACATGTTTCCGAT-3'
Protein context (NP_055151.3, residues 73-93): EILLTSMRVH[Glu83Gln]VAEFWCDTIH

ClinVar aggregate classification (germline): Uncertain significance (1 of 4 stars; one submission).

Submission:

GeneDx
Classification: Uncertain significance. Last evaluated: 2020-02-14. Review status: criteria provided, single submitter. Criteria: GeneDx Variant Classification Process June 2021. Collection method: clinical testing. Allele origin: germline. Affected: yes.
Comment: Not observed in large population cohorts (Lek et al., 2016); In silico analysis supports that this missense variant has a deleterious effect on protein structure/function; Has not been previously published as pathogenic or benign to our knowledge